The following is an entry in ClinVar:

NM_013447.4(ADGRE2):c.2287T>G (p.Phe763Val)

Gene: ADGRE2 (adhesion G protein-coupled receptor E2; minus strand). Cytogenetic location: 19p13.12.
Variant type: single nucleotide variant.
Coding change: c.2287T>G on transcript NM_013447.4 (MANE Select); coding-DNA position 2287, T replaced by G.
Protein change: p.Phe763Val; replaces phenylalanine 763 with valine.
Molecular consequence: missense variant.
Genome position (GRCh38, 1-based): chr19:14,743,681, A>C on the plus strand (T>G on the coding strand, the complement: ADGRE2 is on the minus strand). VCF-style: chr19-14743681-A-C. GRCh37 (hg19) VCF-style: chr19-14854493-A-C.
Other names: c.2113T>G, p.Phe705Val (NM_001271052.1); c.2140T>G, p.Phe714Val (NM_152916.2); c.2008T>G, p.Phe670Val (NM_152917.2); short protein forms F763V, F714V, F705V, F670V.
Identifiers: ClinVar variation 2314289 (VCV002314289.4), dbSNP rs753968524, ClinGen allele CA9257418.

ClinVar aggregate classification (germline): Uncertain significance. Review status: criteria provided, multiple submitters, no conflicts (2 of 4 stars). 2 submissions from 2 submitters: Uncertain significance (2). Last evaluated 2024-05-13.

Allele frequency attached by ClinVar (database versions not stated): ExAC 0.00001; gnomAD 0.00001; TOPMed 0.00002.
gnomAD v4.1: 56 of 1,614,068 alleles (0.0035%); highest among the groups gnomAD compares: Non-Finnish European, 0.0047%; no homozygotes.

Submissions (2):

Labcorp Genetics (formerly Invitae), Labcorp
Classification: Uncertain significance. Last evaluated: 2024-05-13. Review status: criteria provided, single submitter. Criteria: Invitae Variant Classification Sherloc (09022015). Collection method: clinical testing. Allele origin: germline.
Comment: This sequence change replaces phenylalanine, which is neutral and non-polar, with valine, which is neutral and non-polar, at codon 763 of the ADGRE2 protein (p.Phe763Val). This variant is present in population databases (rs753968524, gnomAD 0.007%). This variant has not been reported in the literature in individuals affected with ADGRE2-related conditions. ClinVar contains an entry for this variant (Variation ID: 2314289). An algorithm developed to predict the effect of missense changes on protein structure and function (PolyPhen-2) suggests that this variant is likely to be disruptive. In summary, the available evidence is currently insufficient to determine the role of this variant in disease. Therefore, it has been classified as a Variant of Uncertain Significance.

Ambry Genetics
Classification: Uncertain significance. Last evaluated: 2022-09-28. Review status: criteria provided, single submitter. Criteria: Ambry Variant Classification Scheme 2023. Collection method: clinical testing. Allele origin: germline.